The following is an entry in ClinVar:

ClinVar aggregate classification (germline): Pathogenic/Likely pathogenic. Review status: criteria provided, multiple submitters, no conflicts (2 of 4 stars). 2 submissions from 2 submitters: Pathogenic (1); Likely pathogenic (1). Last evaluated 2026-02-02.

Conditions:
ERCC2-related disorder. Also called: ERCC2-related disorders; ERCC2-related conditions; ERCC2-related condition. Identifiers: MedGen CN239291.

Submissions (2):

Myriad Genetics, Inc.
Classification: Pathogenic for ERCC2-related disorder. Last evaluated: 2026-02-02. Review status: criteria provided, single submitter. Criteria: Myriad Autosomal Dominant, Autosomal Recessive and X-Linked Classification Criteria (2023). Collection method: clinical testing. Allele origin: unknown.
Comment: NM_000400.3(ERCC2):c.1927C>T(Q643*) is expected to be pathogenic in the context of ERCC2-related disorders. This variant is predicted to lead to an abnormal or absent protein product due to the creation of a premature termination codon in ERCC2, a gene where loss-of-function variants are known to be pathogenic. Please note: this variant was assessed in the context of healthy population screening.

CeGaT Center for Human Genetics Tuebingen
Classification: Likely pathogenic. Last evaluated: 2019-10-01. Review status: criteria provided, single submitter. Criteria: CeGaT Center For Human Genetics Tuebingen Variant Classification Criteria Version 2. Collection method: clinical testing. Allele origin: germline. Affected: yes. Observed: 1 variant allele.

NM_000400.4(ERCC2):c.1927C>T (p.Gln643Ter)

Gene: ERCC2 (ERCC excision repair 2, TFIIH core complex helicase subunit; minus strand). Cytogenetic location: 19q13.32.
Variant type: single nucleotide variant.
Coding change: c.1927C>T on transcript NM_000400.4 (MANE Select); coding-DNA position 1927, C replaced by T.
Protein change: p.Gln643Ter; replaces glutamine 643 with a stop codon.
Molecular consequence: nonsense.
Genome position (GRCh38, 1-based): chr19:45,352,625, G>A on the plus strand (C>T on the coding strand, the complement: ERCC2 is on the minus strand). VCF-style: chr19-45352625-G-A. GRCh37 (hg19) VCF-style: chr19-45855883-G-A.
Other names: short protein forms Q643*.
Identifiers: ClinVar variation 872130 (VCV000872130.42), dbSNP rs1971848694, ClinGen allele CA406363503.